The following is an entry in ClinVar:

ClinVar aggregate classification (germline): Uncertain significance (1 of 4 stars; one submission).

gnomAD v4.1: 19 of 1,609,950 alleles (0.0012%); highest among the groups gnomAD compares: African/African-American, 0.024%; no homozygotes.

Submission:

Women's Health and Genetics/Laboratory Corporation of America, LabCorp
Classification: Uncertain significance. Last evaluated: 2024-09-18. Review status: criteria provided, single submitter. Criteria: LabCorp Variant Classification Summary - May 2015. Collection method: clinical testing. Allele origin: germline.
Comment: Variant summary: KRIT1 c.1838G>A (p.Gly613Asp) results in a non-conservative amino acid change located in the FERM domain (IPR000299) of the encoded protein sequence. Three of five in-silico tools predict a damaging effect of the variant on protein function. The variant allele was found at a frequency of 1.6e-05 in 250960 control chromosomes (gnomAD). The available data on variant occurrences in the general population are insufficient to allow any conclusion about variant significance. To our knowledge, no occurrence of c.1838G>A in individuals affected with KRIT1-Related Disorders and no experimental evidence demonstrating its impact on protein function have been reported. No submitters have cited clinical-significance assessments for this variant to ClinVar. Based on the evidence outlined above, the variant was classified as uncertain significance.

NM_194454.3(KRIT1):c.1838G>A (p.Gly613Asp)

Gene: KRIT1 (KRIT1 ankyrin repeat containing; minus strand). Cytogenetic location: 7q21.2.
Variant type: single nucleotide variant.
Coding change: c.1838G>A on transcript NM_194454.3 (MANE Select); coding-DNA position 1838, G replaced by A.
Protein change: p.Gly613Asp; replaces glycine 613 with aspartic acid.
Molecular consequence: missense variant.
Genome position (GRCh38, 1-based): chr7:92,213,382, C>T on the plus strand (G>A on the coding strand, the complement: KRIT1 is on the minus strand). VCF-style: chr7-92213382-C-T. GRCh37 (hg19) VCF-style: chr7-91842696-C-T.
Other names: c.1694G>A, p.Gly565Asp (NM_001013406.2, NM_001350669.1, NM_001350670.1); c.1124G>A, p.Gly375Asp (NM_001350671.1); c.1838G>A, p.Gly613Asp (NM_001350672.1, NM_001350673.1, NM_001350674.1 and 26 more transcripts); short protein forms G375D, G565D, G613D.
Identifiers: ClinVar variation 3375418 (VCV003375418.1).